The following is an entry in ClinVar:

ClinVar aggregate classification (germline): Uncertain significance. Review status: criteria provided, multiple submitters, no conflicts (2 of 4 stars). 2 submissions from 2 submitters: Uncertain significance (2). Last evaluated 2025-03-05.

Submissions (2):

Labcorp Genetics (formerly Invitae), Labcorp
Classification: Uncertain significance. Last evaluated: 2025-03-05. Review status: criteria provided, single submitter. Criteria: Invitae Variant Classification Sherloc (09022015). Collection method: clinical testing. Allele origin: germline.
Comment: This sequence change replaces alanine, which is neutral and non-polar, with glycine, which is neutral and non-polar, at codon 711 of the MYO7A protein (p.Ala711Gly). This variant is not present in population databases (gnomAD no frequency). This variant has not been reported in the literature in individuals affected with MYO7A-related conditions. ClinVar contains an entry for this variant (Variation ID: 3371592). Invitae Evidence Modeling of protein sequence and biophysical properties (such as structural, functional, and spatial information, amino acid conservation, physicochemical variation, residue mobility, and thermodynamic stability) indicates that this missense variant is not expected to disrupt MYO7A protein function with a negative predictive value of 95%. In summary, the available evidence is currently insufficient to determine the role of this variant in disease. Therefore, it has been classified as a Variant of Uncertain Significance.

GeneDx
Classification: Uncertain significance. Last evaluated: 2024-04-03. Review status: criteria provided, single submitter. Criteria: GeneDx Variant Classification Process June 2021. Collection method: clinical testing. Allele origin: germline. Affected: yes.
Comment: Not observed at significant frequency in large population cohorts (gnomAD); In silico analysis supports that this missense variant has a deleterious effect on protein structure/function; Has not been previously published as pathogenic or benign to our knowledge

NM_000260.4(MYO7A):c.2132C>G (p.Ala711Gly)

Gene: MYO7A (myosin VIIA; plus strand). Cytogenetic location: 11q13.5.
Variant type: single nucleotide variant.
Coding change: c.2132C>G on transcript NM_000260.4 (MANE Select); coding-DNA position 2132, C replaced by G.
Protein change: p.Ala711Gly; replaces alanine 711 with glycine.
Molecular consequence: missense variant.
Genome position (GRCh38, 1-based): chr11:77,175,409, C>G. VCF-style: chr11-77175409-C-G. GRCh37 (hg19) VCF-style: chr11-76886455-C-G.
Other names: c.2132C>G, p.Ala711Gly (NM_001127180.2); c.2099C>G, p.Ala700Gly (NM_001369365.1); short protein forms A700G, A711G.
Identifiers: ClinVar variation 3371592 (VCV003371592.2).